The following is an entry in ClinVar:

NM_014363.6(SACS):c.11373dup (p.Arg3792fs)

Gene: SACS (sacsin molecular chaperone; minus strand). Cytogenetic location: 13q12.12.
Variant type: Duplication.
Coding change: c.11373dup on transcript NM_014363.6 (MANE Select); coding-DNA position 11373, one base duplicated (G; older notation c.11373dupG).
Protein change: p.Arg3792fs; shifts the reading frame from arginine 3792.
Molecular consequence: frameshift variant.
Genome position (GRCh38, 1-based): chr13:23,332,503, C duplicated on the plus strand (G on the coding strand, the reverse complement: SACS is on the minus strand). VCF-style (leftmost placement, unchanged base first): chr13-23332502-G-GC. GRCh37 (hg19) VCF-style: chr13-23906641-G-GC.
Other names: c.10932dup, p.Arg3645fs (NM_001278055.2); short protein forms R3792fs, R3645fs.
Identifiers: ClinVar variation 557008 (VCV000557008.7), dbSNP rs1555249904, ClinGen allele CA658823542.

ClinVar aggregate classification (germline): Pathogenic/Likely pathogenic. Review status: criteria provided, multiple submitters, no conflicts (2 of 4 stars). 3 submissions from 3 submitters: Pathogenic (1); Likely pathogenic (1). 1 of the submissions does not count toward it. Last evaluated 2023-09-04.

Conditions:
Spastic paraplegia. Identifiers: MedGen C0037772, HP:0001258.
Charlevoix-Saguenay spastic ataxia (SACS). Also called: SPASTIC ATAXIA 6, AUTOSOMAL RECESSIVE; Spastic ataxia of Charlevoix-Saguenay; AUTOSOMAL RECESSIVE SPASTIC ATAXIA OF CHARLEVOIX-SAGUENAY. Identifiers: Orphanet 98, MedGen C1849140, MONDO:0010041, OMIM 270550.

Submissions (3):

Baylor Genetics
Classification: Likely pathogenic for Charlevoix-Saguenay spastic ataxia. Last evaluated: 2023-09-04. Review status: criteria provided, single submitter. Criteria: ACMG Guidelines, 2015. Collection method: clinical testing. Allele origin: unknown.

Labcorp Genetics (formerly Invitae), Labcorp
Classification: Pathogenic for Spastic paraplegia. Last evaluated: 2022-08-04. Review status: criteria provided, single submitter. Criteria: Invitae Variant Classification Sherloc (09022015). Collection method: clinical testing. Allele origin: germline.
Comment: This variant disrupts a region of the SACS protein in which other variant(s) (p.Asn4549Asp) have been determined to be pathogenic (PMID: 15156359, 21507954). This suggests that this is a clinically significant region of the protein, and that variants that disrupt it are likely to be disease-causing. This sequence change creates a premature translational stop signal (p.Arg3792Alafs*18) in the SACS gene. While this is not anticipated to result in nonsense mediated decay, it is expected to disrupt the last 788 amino acid(s) of the SACS protein. This variant is not present in population databases (gnomAD no frequency). This variant has not been reported in the literature in individuals affected with SACS-related conditions. ClinVar contains an entry for this variant (Variation ID: 557008). For these reasons, this variant has been classified as Pathogenic.

Counsyl
Classification: Likely pathogenic for Charlevoix-Saguenay spastic ataxia. Last evaluated: 2018-03-07. Review status: no assertion criteria provided. Collection method: clinical testing. Allele origin: unknown. Not counted in ClinVar's aggregate classification.

Literature cited by the submitters: PubMed 15156359 (cited by Labcorp Genetics (formerly Invitae), Labcorp); PubMed 21507954 (cited by Labcorp Genetics (formerly Invitae), Labcorp).